The following is an entry in ClinVar:

NM_000548.5(TSC2):c.2469_2471del (p.Pro824del)

Gene: TSC2 (TSC complex subunit 2; plus strand). Cytogenetic location: 16p13.3.
Variant type: Deletion.
Coding change: c.2469_2471del on transcript NM_000548.5 (MANE Select); coding-DNA positions 2469 to 2471, 3 bases deleted (GCC; older notation c.2469_2471delGCC).
Protein change: p.Pro824del; deletes proline 824.
Molecular consequence: inframe deletion.
Genome position (GRCh38, 1-based): chr16:2,074,313-2,074,315, GCC deleted. VCF-style (leftmost placement, unchanged base first): chr16-2074312-TGCC-T. GRCh37 (hg19) VCF-style: chr16-2124313-TGCC-T.
Other names: c.2469_2471del, p.Pro824del (NM_001077183.3, NM_001114382.3, NM_001363528.2 and 3 more transcripts); c.2358_2360del, p.Pro787del (NM_001318827.2); c.2322_2324del, p.Pro775del (NM_001318829.2); c.1869_1871del, p.Pro624del (NM_001318831.2); c.2502_2504del, p.Pro835del (NM_001318832.2); short protein forms P787del, P824del, P835del, P624del, P775del.
Identifiers: ClinVar variation 849421 (VCV000849421.9), dbSNP rs2088931795, ClinGen allele CA916081775.

ClinVar aggregate classification (germline): Likely pathogenic (1 of 4 stars; one submission).

Conditions:
Tuberous sclerosis 2 (TSC2). Identifiers: Orphanet 805, MedGen C1860707, MONDO:0013199, OMIM 613254.

Submission:

Labcorp Genetics (formerly Invitae), Labcorp
Classification: Likely pathogenic for Tuberous sclerosis 2. Last evaluated: 2019-07-16. Review status: criteria provided, single submitter. Criteria: Invitae Variant Classification Sherloc (09022015). Collection method: clinical testing. Allele origin: germline.
Comment: In summary, the currently available evidence indicates that the variant is pathogenic, but additional data are needed to prove that conclusively. Therefore, this variant has been classified as Likely Pathogenic. This variant is not present in population databases (ExAC no frequency). This variant, c.2469_2471del, results in the deletion of 1 amino acid(s) of the TSC2 protein (p.Pro824del), but otherwise preserves the integrity of the reading frame.